The following is an entry in ClinVar:

ClinVar aggregate classification (germline): Likely pathogenic (1 of 4 stars; one submission).

Conditions:
Primary hyperoxaluria, type I (HP1). Also called: OXALOSIS I; Primary hyperoxaluria type 1; GLYCOLIC ACIDURIA; HEPATIC AGT DEFICIENCY. Identifiers: Orphanet 416, Orphanet 93598, MedGen C0268164, MONDO:0009823, OMIM 259900. Disease mechanism: loss of function.

Allele frequency attached by ClinVar (database versions not stated): gnomAD exomes below 0.00001.

Submission:

Clinical Biochemistry Laboratory, Health Services Laboratory
Classification: Likely pathogenic for Primary hyperoxaluria, type I. Last evaluated: 2023-10-27. Review status: criteria provided, single submitter. Criteria: ACMG Guidelines, 2015. Collection method: curation. Allele origin: germline. Affected: yes.
Comment: ACMG:PM1 PM2 PM3

Literature cited by the submitters: PubMed 30341509.

NM_000030.3(AGXT):c.627G>T (p.Lys209Asn)

Gene: AGXT (alanine--glyoxylate aminotransferase; plus strand). Cytogenetic location: 2q37.3.
Variant type: single nucleotide variant.
Coding change: c.627G>T on transcript NM_000030.3 (MANE Select); coding-DNA position 627, G replaced by T.
Protein change: p.Lys209Asn; replaces lysine 209 with asparagine.
Molecular consequence: missense variant.
Genome position (GRCh38, 1-based): chr2:240,874,009, G>T. VCF-style: chr2-240874009-G-T. GRCh37 (hg19) VCF-style: chr2-241813426-G-T.
Other names: short protein forms K209N.
Identifiers: ClinVar variation 2681180 (VCV002681180.1), dbSNP rs1242267009, ClinGen allele CA351316875.
Genomic context (GRCh38, chr2:240,874,009, plus strand): 5'-CCCGTCCCGAGCAAACCACCCATCTACAGGCATCGACATCCTGTACTCGGGCTCCCAGAA[G>T]GCCCTGAACGCCCCTCCAGGGACCTCGCTCATCTCCTTCAGTGACAAGGCCAAGTGAGTG-3'
Protein context (NP_000021.1, residues 199-219): GIDILYSGSQ[Lys209Asn]ALNAPPGTSL